The following is an entry in ClinVar:

ClinVar aggregate classification (germline): Uncertain significance (1 of 4 stars; one submission).

Submission:

GeneDx
Classification: Uncertain significance. Last evaluated: 2026-04-03. Review status: criteria provided, single submitter. Criteria: GeneDx Variant Classification Process June 2021. Collection method: clinical testing. Allele origin: germline.
Comment: Not observed at significant frequency in large population cohorts (gnomAD); In silico analysis suggests that this missense variant does not alter protein structure/function; Has not been previously published as pathogenic or benign to our knowledge

NM_015557.3(CHD5):c.4277C>T (p.Ala1426Val)

Gene: CHD5 (chromodomain helicase DNA binding protein 5; minus strand). Cytogenetic location: 1p36.31.
Variant type: single nucleotide variant.
Coding change: c.4277C>T on transcript NM_015557.3 (MANE Select); coding-DNA position 4277, C replaced by T.
Protein change: p.Ala1426Val; replaces alanine 1426 with valine.
Molecular consequence: missense variant.
Genome position (GRCh38, 1-based): chr1:6,125,217, G>A on the plus strand (C>T on the coding strand, the complement: CHD5 is on the minus strand). VCF-style: chr1-6125217-G-A. GRCh37 (hg19) VCF-style: chr1-6185277-G-A.
Other names: short protein forms A1426V.
Identifiers: ClinVar variation 5018152 (VCV005018152.1).